The following is an entry in ClinVar:

ClinVar aggregate classification (germline): Likely benign (1 of 4 stars; one submission).

Conditions:
ZNFX1-related disorder. Also called: ZNFX1-related condition.

gnomAD v4.1: 102 of 1,613,670 alleles (0.0063%); highest among the groups gnomAD compares: Admixed American, 0.16%; no homozygotes.

Submission:

PreventionGenetics, part of Exact Sciences
Classification: Likely benign for ZNFX1-related condition. Last evaluated: 2026-03-30. Review status: criteria provided, single submitter. Criteria: ACMG Guidelines, 2015. Collection method: clinical testing. Allele origin: germline.
Comment: This variant is classified as likely benign based on ACMG/AMP sequence variant interpretation guidelines (Richards et al. 2015 PMID: 25741868, with internal and published modifications).

NM_021035.3(ZNFX1):c.129C>T (p.Leu43=)

Gene: ZNFX1 (zinc finger NFX1-type containing 1; minus strand). Cytogenetic location: 20q13.13.
Variant type: single nucleotide variant.
Coding change: c.129C>T on transcript NM_021035.3 (MANE Select); coding-DNA position 129, C replaced by T.
Protein change: p.Leu43=; no amino-acid change (leucine 43 retained).
Molecular consequence: synonymous variant.
Genome position (GRCh38, 1-based): chr20:49,271,683, G>A on the plus strand (C>T on the coding strand, the complement: ZNFX1 is on the minus strand). VCF-style: chr20-49271683-G-A. GRCh37 (hg19) VCF-style: chr20-47888220-G-A.
Identifiers: ClinVar variation 4980211 (VCV004980211.1).